The following is an entry in ClinVar:

ClinVar aggregate classification (germline): Uncertain significance. Review status: criteria provided, multiple submitters, no conflicts (2 of 4 stars). 2 submissions from 2 submitters: Uncertain significance (2). Last evaluated 2024-06-25.

Conditions:
Hereditary cancer-predisposing syndrome. Also called: Tumor predisposition; Hereditary neoplastic syndrome; Neoplastic Syndromes, Hereditary; Hereditary Cancer Syndrome. Identifiers: Orphanet 140162, MedGen C0027672, MeSH D009386, MONDO:0015356.
BAP1-related tumor predisposition syndrome (TPDS1). Also called: Tumor susceptibility linked to germline BAP1 mutations; COMMON Syndrome; TUMOR PREDISPOSITION SYNDROME 1; BAP1 tumor predisposition syndrome. Identifiers: Orphanet 289539, MedGen C3280492, MONDO:0013692, OMIM 614327.

Allele frequency attached by ClinVar (database versions not stated): gnomAD exomes below 0.00001; gnomAD 0.00001; TOPMed 0.00001.
gnomAD v4.1: 1 of 1,613,990 alleles (0.000062%); highest among the groups gnomAD compares: Non-Finnish European, 0.000085%; no homozygotes.

Submissions (2):

Labcorp Genetics (formerly Invitae), Labcorp
Classification: Uncertain significance for BAP1-related tumor predisposition syndrome. Last evaluated: 2024-06-25. Review status: criteria provided, single submitter. Criteria: Invitae Variant Classification Sherloc (09022015). Collection method: clinical testing. Allele origin: germline.
Comment: This sequence change replaces aspartic acid, which is acidic and polar, with asparagine, which is neutral and polar, at codon 536 of the BAP1 protein (p.Asp536Asn). This variant is present in population databases (no rsID available, gnomAD 0.0009%). This variant has not been reported in the literature in individuals affected with BAP1-related conditions. ClinVar contains an entry for this variant (Variation ID: 1492978). Advanced modeling of protein sequence and biophysical properties (such as structural, functional, and spatial information, amino acid conservation, physicochemical variation, residue mobility, and thermodynamic stability) performed at Invitae indicates that this missense variant is not expected to disrupt BAP1 protein function with a negative predictive value of 80%. In summary, the available evidence is currently insufficient to determine the role of this variant in disease. Therefore, it has been classified as a Variant of Uncertain Significance.

Ambry Genetics
Classification: Uncertain significance for Hereditary cancer-predisposing syndrome. Last evaluated: 2023-11-16. Review status: criteria provided, single submitter. Criteria: Ambry Variant Classification Scheme 2023. Collection method: clinical testing. Allele origin: germline.
Comment: The p.D536N variant (also known as c.1606G>A), located in coding exon 13 of the BAP1 gene, results from a G to A substitution at nucleotide position 1606. The aspartic acid at codon 536 is replaced by asparagine, an amino acid with highly similar properties. This amino acid position is conserved. In addition, this alteration is predicted to be tolerated by in silico analysis. Since supporting evidence is limited at this time, the clinical significance of this alteration remains unclear.

NM_004656.4(BAP1):c.1606G>A (p.Asp536Asn)

Gene: BAP1 (BRCA1 associated deubiquitinase 1; minus strand). Cytogenetic location: 3p21.1.
Variant type: single nucleotide variant.
Coding change: c.1606G>A on transcript NM_004656.4 (MANE Select); coding-DNA position 1606, G replaced by A.
Protein change: p.Asp536Asn; replaces aspartic acid 536 with asparagine.
Molecular consequence: missense variant.
Genome position (GRCh38, 1-based): chr3:52,403,539, C>T on the plus strand (G>A on the coding strand, the complement: BAP1 is on the minus strand). VCF-style: chr3-52403539-C-T. GRCh37 (hg19) VCF-style: chr3-52437555-C-T.
Other names: c.1606G>A (NM_004656.2); short protein forms D536N.
Identifiers: ClinVar variation 1492978 (VCV001492978.9), dbSNP rs1003125689, ClinGen allele CA74740656.